The following is an entry in ClinVar:

NM_001852.4(COL9A2):c.1858C>T (p.Pro620Ser)

Gene: COL9A2 (collagen type IX alpha 2 chain; minus strand). Cytogenetic location: 1p34.2.
Variant type: single nucleotide variant.
Coding change: c.1858C>T on transcript NM_001852.4 (MANE Select); coding-DNA position 1858, C replaced by T.
Protein change: p.Pro620Ser; replaces proline 620 with serine.
Molecular consequence: missense variant.
Genome position (GRCh38, 1-based): chr1:40,301,824, G>A on the plus strand (C>T on the coding strand, the complement: COL9A2 is on the minus strand). VCF-style: chr1-40301824-G-A. GRCh37 (hg19) VCF-style: chr1-40767496-G-A.
Other names: short protein forms P620S.
Identifiers: ClinVar variation 2893000 (VCV002893000.3), dbSNP rs759578875, ClinGen allele CA791305.

ClinVar aggregate classification (germline): Uncertain significance (1 of 4 stars; one submission).

Allele frequency attached by ClinVar (database versions not stated): ExAC 0.00002; gnomAD 0.00001; TOPMed 0.00001; gnomAD exomes 0.00003.
gnomAD v4.1: 47 of 1,613,974 alleles (0.0029%); highest among the groups gnomAD compares: Non-Finnish European, 0.0036%; no homozygotes.

Submission:

Labcorp Genetics (formerly Invitae), Labcorp
Classification: Uncertain significance. Last evaluated: 2025-12-21. Review status: criteria provided, single submitter. Criteria: Invitae Variant Classification Sherloc (09022015). Collection method: clinical testing. Allele origin: germline.
Comment: This sequence change replaces proline, which is neutral and non-polar, with serine, which is neutral and polar, at codon 620 of the COL9A2 protein (p.Pro620Ser). This variant is present in population databases (rs759578875, gnomAD 0.003%). This variant has not been reported in the literature in individuals affected with COL9A2-related conditions. ClinVar contains an entry for this variant (Variation ID: 2893000). Invitae Evidence Modeling of protein sequence and biophysical properties (such as structural, functional, and spatial information, amino acid conservation, physicochemical variation, residue mobility, and thermodynamic stability) indicates that this missense variant is not expected to disrupt COL9A2 protein function with a negative predictive value of 95%. In summary, the available evidence is currently insufficient to determine the role of this variant in disease. Therefore, it has been classified as a Variant of Uncertain Significance.